The following is an entry in ClinVar:

ClinVar aggregate classification (germline): Uncertain significance (1 of 4 stars; one submission).

Conditions:
Autosomal dominant nocturnal frontal lobe epilepsy 5. Also called: CILIARY DYSKINESIA, PRIMARY, 28, WITHOUT SITUS INVERSUS; CILIARY DYSKINESIA, PRIMARY, 28, WITH SITUS INVERSUS; KCNT1-Related Epilepsy; Epilepsy, nocturnal frontal lobe, 5. Identifiers: Orphanet 98784, MedGen C3554306, MONDO:0014002, OMIM 615005.
Developmental and epileptic encephalopathy, 14 (DEE14). Also called: Early infantile epileptic encephalopathy 14. Identifiers: Orphanet 293181, MedGen C3554195, MONDO:0013989, OMIM 614959.

Submission:

Labcorp Genetics (formerly Invitae), Labcorp
Classification: Uncertain significance for Autosomal dominant nocturnal frontal lobe epilepsy 5; Developmental and epileptic encephalopathy, 14. Last evaluated: 2025-08-09. Review status: criteria provided, single submitter. Criteria: Invitae Variant Classification Sherloc (09022015). Collection method: clinical testing. Allele origin: germline.
Comment: This sequence change replaces leucine, which is neutral and non-polar, with arginine, which is basic and polar, at codon 653 of the KCNT1 protein (p.Leu653Arg). This variant is not present in population databases (gnomAD no frequency). This variant has not been reported in the literature in individuals affected with KCNT1-related conditions. Invitae Evidence Modeling of protein sequence and biophysical properties (such as structural, functional, and spatial information, amino acid conservation, physicochemical variation, residue mobility, and thermodynamic stability) indicates that this missense variant is not expected to disrupt KCNT1 protein function with a negative predictive value of 80%. In summary, the available evidence is currently insufficient to determine the role of this variant in disease. Therefore, it has been classified as a Variant of Uncertain Significance.

NM_020822.3(KCNT1):c.1958T>G (p.Leu653Arg)

Gene: KCNT1 (potassium sodium-activated channel subfamily T member 1; plus strand). Cytogenetic location: 9q34.3.
Variant type: single nucleotide variant.
Coding change: c.1958T>G on transcript NM_020822.3 (MANE Select); coding-DNA position 1958, T replaced by G.
Protein change: p.Leu653Arg; replaces leucine 653 with arginine.
Molecular consequence: missense variant.
Genome position (GRCh38, 1-based): chr9:135,771,045, T>G. VCF-style: chr9-135771045-T-G. GRCh37 (hg19) VCF-style: chr9-138662891-T-G.
Other names: c.1823T>G, p.Leu608Arg (NM_001272003.2); short protein forms L653R, L608R.
Identifiers: ClinVar variation 4782568 (VCV004782568.1).